The following is an entry in ClinVar:

ClinVar aggregate classification (germline): Likely benign. Review status: criteria provided, multiple submitters, no conflicts (2 of 4 stars). 2 submissions from 2 submitters: Likely benign (2). Last evaluated 2025-03-30.

Conditions:
Dilated cardiomyopathy 1DD (CMD1DD). Identifiers: Orphanet 154, MedGen C2750995, MONDO:0013168, OMIM 613172.

Allele frequency attached by ClinVar (database versions not stated): gnomAD 0.00001; gnomAD exomes 0.00001; TOPMed 0.00002.
gnomAD v4.1: 24 of 1,551,532 alleles (0.0015%); highest among the groups gnomAD compares: African/African-American, 0.0027%; no homozygotes.

Submissions (2):

Labcorp Genetics (formerly Invitae), Labcorp
Classification: Likely benign for Dilated cardiomyopathy 1DD. Last evaluated: 2025-03-30. Review status: criteria provided, single submitter. Criteria: Invitae Variant Classification Sherloc (09022015). Collection method: clinical testing. Allele origin: germline.

Laboratory for Molecular Medicine, Mass General Brigham Personalized Medicine
Classification: Likely benign. Last evaluated: 2018-01-12. Review status: criteria provided, single submitter. Criteria: LMM Criteria. Collection method: clinical testing. Allele origin: germline. Observed: 1 variant allele.
Comment: The p.Pro690Pro variant in RBM20 is not expected to have clinical significance b ecause it does not alter an amino acid residue and is not located within the spl ice consensus sequence. ACMG/AMP Criteria applied: PM2, BP4, BP7.

NM_001134363.3(RBM20):c.2070G>A (p.Pro690=)

Gene: RBM20 (RNA binding motif protein 20; plus strand). Cytogenetic location: 10q25.2.
Variant type: single nucleotide variant.
Coding change: c.2070G>A on transcript NM_001134363.3 (MANE Select); coding-DNA position 2070, G replaced by A.
Protein change: p.Pro690=; no amino-acid change (proline 690 retained).
Molecular consequence: synonymous variant.
Genome position (GRCh38, 1-based): chr10:110,812,467, G>A. VCF-style: chr10-110812467-G-A. GRCh37 (hg19) VCF-style: chr10-112572225-G-A.
Identifiers: ClinVar variation 506268 (VCV000506268.12), dbSNP rs890520365, ClinGen allele CA213223759.
Genomic context (GRCh38, chr10:110,812,467, plus strand): 5'-CAATGGCCGGGACTCCTGGGAGCACTCTCCCTATGCCAGGAGGGAGGAAGAGCGAGACCC[G>A]GCTCCCTGGAGGGACAACGGAGATGACAAGAGGGACAGGATGGACCCCTGGGCACATGAT-3'
Protein context (NP_001127835.2, residues 680-700): PYARREEERD[Pro690=]APWRDNGDDK